The following is an entry in ClinVar:

NM_001271.4(CHD2):c.2189+251G>T

Gene: CHD2 (chromodomain helicase DNA binding protein 2; plus strand). Cytogenetic location: 15q26.1.
Variant type: single nucleotide variant.
Coding change: c.2189+251G>T on transcript NM_001271.4 (MANE Select); 251 bases into the intron after coding-DNA position 2189, G replaced by T.
Molecular consequence: intron variant.
Genome position (GRCh38, 1-based): chr15:92,967,764, G>T. VCF-style: chr15-92967764-G-T. GRCh37 (hg19) VCF-style: chr15-93510994-G-T.
Identifiers: ClinVar variation 668079 (VCV000668079.1), dbSNP rs11632522, ClinGen allele CA14125108.
Genomic context (GRCh38, chr15:92,967,764, plus strand): 5'-TTTTTAGTAGAGATGGGATTTTTCCATGTTGGTCAGGCTGGTCTTGAACTCCCGACCTCA[G>T]GTGATCCGCCCACCTCGGCCTCCCAACGTTTTGTTGTTATTAAGCAAAATTTCAATACTG-3'

ClinVar aggregate classification (germline): Benign (1 of 4 stars; one submission).

Allele frequency attached by ClinVar (database versions not stated): 1000 Genomes Project 30x 0.11680; 1000 Genomes Project 0.11841; gnomAD 0.17127 and 0.17435; TOPMed 0.17518.
gnomAD v4.1: 26,314 of 151,860 alleles (17%); highest among the groups gnomAD compares: Non-Finnish European, 26%; 3,031 homozygotes.

Submission:

GeneDx
Classification: Benign. Last evaluated: 2018-06-18. Review status: criteria provided, single submitter. Criteria: GeneDx Variant Classification (06012015). Collection method: clinical testing. Allele origin: germline. Affected: yes.
Comment: This variant is considered likely benign or benign based on one or more of the following criteria: it is a conservative change, it occurs at a poorly conserved position in the protein, it is predicted to be benign by multiple in silico algorithms, and/or has population frequency not consistent with disease.